The following is an entry in ClinVar:

ClinVar aggregate classification (germline): Likely pathogenic (1 of 4 stars; one submission).

Conditions:
Rare genetic deafness. Identifiers: Orphanet 96210, MedGen C5680250.

Submission:

Laboratory for Molecular Medicine, Mass General Brigham Personalized Medicine
Classification: Likely pathogenic for Rare genetic deafness. Last evaluated: 2013-06-02. Review status: criteria provided, single submitter. Criteria: LMM Criteria. Collection method: clinical testing. Allele origin: germline. Inheritance: Autosomal recessive inheritance. Observed: 1 variant allele.
Comment: The Thr402fs variant in ESRRB has not been previously reported in individuals wi th hearing loss. This frameshift variant is predicted to alter the protein?s ami no acid sequence beginning at position 402 and lead to a premature termination c odon 9 amino acids downstream. This alteration is then predicted to lead to a tr uncated or absent protein. Loss of function variants in ESRRB have been associat ed with autosomal recessive sensorineural hearing loss, however the exact mechan ism of disease has not yet been established. In summary, this variant is likely to be pathogenic, though additional studies are required to fully establish its clinical significance.

NM_001379180.1(ESRRB):c.1268_1272del (p.Thr423fs)

Gene: ESRRB (estrogen related receptor beta; plus strand). Cytogenetic location: 14q24.3.
Variant type: Deletion.
Coding change: c.1268_1272del on transcript NM_001379180.1 (MANE Select); coding-DNA positions 1268 to 1272, 5 bases deleted (CGGCC; older notation c.1268_1272delCGGCC).
Protein change: p.Thr423fs; shifts the reading frame from threonine 423.
Molecular consequence: frameshift variant.
Genome position (GRCh38, 1-based): chr14:76,498,361-76,498,365, CGGCC deleted. VCF-style (leftmost placement, unchanged base first): chr14-76498360-ACGGCC-A. GRCh37 (hg19) VCF-style: chr14-76964703-ACGGCC-A.
Other names: c.1205_1209del, p.Thr402fs (NM_004452.4); c.1205_1209delCGGCC (NM_004452.3); short protein forms T402fs, T423fs.
Identifiers: ClinVar variation 178970 (VCV000178970.4), dbSNP rs727504577, ClinGen allele CA273574.
Genomic context (GRCh38, chr14:76,498,360, plus strand): 5'-CGCCATGAGGAGCCCTGGAGGACGGGCAAGCTGCTGCTGACACTGCCGCTGCTGCGGCAG[ACGGCC>A]GCCAAGGCCGTGCAGCACTTCTATAGCGTCAAACTGCAGGGCAAAGTGCCCATGCACAAA-3'